The following is an entry in ClinVar:

NM_001042492.3(NF1):c.888+789A>G

Gene: NF1 (neurofibromin 1; plus strand). Cytogenetic location: 17q11.2.
Variant type: single nucleotide variant.
Coding change: c.888+789A>G on transcript NM_001042492.3 (MANE Select); 789 bases into the intron after coding-DNA position 888, A replaced by G.
Molecular consequence: intron variant.
Genome position (GRCh38, 1-based): chr17:31,183,454, A>G. VCF-style: chr17-31183454-A-G. GRCh37 (hg19) VCF-style: chr17-29510472-A-G.
Other names: c.888+789A>G (NM_001042492.2, NM_000267.4, NM_001128147.3).
Identifiers: ClinVar variation 664551 (VCV000664551.31), dbSNP rs1597660974, ClinGen allele CA658760971.

ClinVar aggregate classification (germline): Conflicting classifications of pathogenicity. Review status: criteria provided, conflicting classifications (1 of 4 stars). 8 submissions from 8 submitters: Pathogenic (3); Likely pathogenic (4); Uncertain significance (1). Last evaluated 2025-09-10.

Conditions:
NF1-related disorder. Also called: NF1-related condition. Identifiers: MedGen CN379171.
Neurofibromatosis, type 1 (NF1). Also called: VON RECKLINGHAUSEN DISEASE; NEUROFIBROMATOSIS, TYPE I, SOMATIC; Peripheral type neurofibromatosis; Neurofibromatosis, type I. Identifiers: Orphanet 636, MedGen C0027831, MONDO:0018975, OMIM 162200. Disease mechanism: loss of function.

Submissions (8):

Genomic Medicine Center of Excellence, King Faisal Specialist Hospital and Research Centre
Classification: Likely pathogenic for Neurofibromatosis, type 1. Last evaluated: 2025-09-10. Review status: criteria provided, single submitter. Criteria: ACMG Guidelines, 2015. Collection method: clinical testing. Allele origin: germline.

Labcorp Genetics (formerly Invitae), Labcorp
Classification: Pathogenic for Neurofibromatosis, type 1. Last evaluated: 2025-09-03. Review status: criteria provided, single submitter. Criteria: Invitae Variant Classification Sherloc (09022015). Collection method: clinical testing. Allele origin: germline.
Comment: This sequence change falls in intron 8 of the NF1 gene. It does not directly change the encoded amino acid sequence of the NF1 protein. This variant is not present in population databases (gnomAD no frequency). This variant has been observed in individual(s) with neurofibromatosis type 1 (PMID: 27322474, 36251260). Invitae Evidence Modeling of clinical and family history, age, sex, and reported ancestry of multiple individuals with this NF1 variant has been performed. This variant is expected to be pathogenic with a positive predictive value of at least 99%. This is a validated machine learning model that incorporates the clinical features of 1,785,918 individuals referred to our laboratory for NF1 testing. ClinVar contains an entry for this variant (Variation ID: 664551). Studies have shown that this variant is associated with altered splicing resulting in multiple RNA products (PMID: 36251260). For these reasons, this variant has been classified as Pathogenic.

GeneDx
Classification: Likely pathogenic. Last evaluated: 2025-02-18. Review status: criteria provided, single submitter. Criteria: GeneDx Variant Classification Process June 2021. Collection method: clinical testing. Allele origin: germline. Affected: yes.
Comment: No data available from control populations to assess the frequency of this variant; This variant is associated with the following publications: (PMID: 36251260, 27322474, 37186028, Svaasand2015[article])

CeGaT Center for Human Genetics Tuebingen
Classification: Likely pathogenic. Last evaluated: 2024-08-01. Review status: criteria provided, single submitter. Criteria: CeGaT Center For Human Genetics Tuebingen Variant Classification Criteria Version 2. Collection method: clinical testing. Allele origin: germline. Affected: yes. Observed: 1 variant allele.
Comment: NF1: PM2, PS3:Moderate, PS4:Moderate

Greenwood Genetic Center Diagnostic Laboratories, Greenwood Genetic Center
Classification: Pathogenic for Neurofibromatosis, type 1. Last evaluated: 2023-09-07. Review status: criteria provided, single submitter. Criteria: ACMG Guidelines, 2015. Collection method: clinical testing. Allele origin: germline. Affected: yes.
Comment: PS3, PS4, PM2, PM6

PreventionGenetics, part of Exact Sciences
Classification: Uncertain significance for NF1-related condition. Last evaluated: 2022-12-29. Review status: criteria provided, single submitter. Criteria: ACMG Guidelines, 2015. Collection method: clinical testing. Allele origin: germline.
Comment: The NF1 c.888+789A>G variant is predicted to interfere with splicing. This variant was reported in an individual diagnosed with Neurofibromatosis 1, and was predicted to impact splicing (Evans et al. 2016. PubMed ID: 27322474). In silico splice prediction algorithms suggest this change may enhance a cryptic splice donor site (Alamut Visual Plus v1.6.1). This variant has not been reported in a large population database, indicating this variant is rare. At this time, the clinical significance of this variant is uncertain due to the absence of conclusive functional and genetic evidence.

Department of Pathology and Laboratory Medicine, Sinai Health System
Classification: Likely pathogenic for neurofibromatosis type 1. Review status: criteria provided, single submitter. Criteria: ACMG Guidelines, 2015. Collection method: clinical testing. Allele origin: germline.

University Health Network, Familial Cancer Clinic, Princess Margaret Cancer Centre
Classification: Pathogenic for Neurofibromatosis, type 1. Review status: criteria provided, single submitter. Criteria: ACMG Guidelines, 2015. Collection method: clinical testing. Allele origin: germline. Inheritance: Autosomal dominant inheritance. Affected: yes. Observed: 2 variant alleles.

Literature cited by the submitters: PubMed 27322474 (cited by Labcorp Genetics (formerly Invitae), Labcorp); PubMed 36251260 (cited by Labcorp Genetics (formerly Invitae), Labcorp).